The following is an entry in ClinVar:

NM_001267550.2(TTN):c.104471A>G (p.His34824Arg)

Genes: TTN (titin; minus strand), TTN-AS1 (TTN antisense RNA 1; plus strand). Cytogenetic location: 2q31.2.
Variant type: single nucleotide variant.
Coding change: c.104471A>G on transcript NM_001267550.2 (MANE Select); coding-DNA position 104471, A replaced by G.
Protein change: p.His34824Arg; replaces histidine 34824 with arginine.
Molecular consequence: missense variant.
Genome position (GRCh38, 1-based): chr2:178,532,144, T>C on the plus strand (A>G on the coding strand, the complement: TTN is on the minus strand). VCF-style: chr2-178532144-T-C. GRCh37 (hg19) VCF-style: chr2-179396871-T-C.
Other names: c.99548A>G, p.His33183Arg (NM_001256850.1); c.77276A>G, p.His25759Arg (NM_003319.4); c.96767A>G, p.His32256Arg (NM_133378.4); c.77651A>G, p.His25884Arg (NM_133432.3); c.77852A>G, p.His25951Arg (NM_133437.4); short protein forms H25759R, H25884R, H25951R, H32256R, H33183R, H34824R.
Identifiers: ClinVar variation 2437861 (VCV002437861.7), dbSNP rs769150165, ClinGen allele CA1985420.

ClinVar aggregate classification (germline): Conflicting classifications of pathogenicity. Review status: criteria provided, conflicting classifications (1 of 4 stars). 4 submissions from 4 submitters: Uncertain significance (3); Likely benign (1). Last evaluated 2026-04-29.

Conditions:
Cardiomyopathy (CMYO). Also called: Cardiomyopathies. Identifiers: Orphanet 167848, MedGen C0878544, MONDO:0004994, HP:0001638. Inheritance: Various modes of inheritance.
TTN-related disorder. Also called: TTN-related condition; TTN-related disease; TTN-related disorders.

Allele frequency attached by ClinVar (database versions not stated): ExAC 0.00001; gnomAD 0.00001; TOPMed 0.00002; gnomAD exomes 0.00003.
gnomAD v4.1: 42 of 1,613,804 alleles (0.0026%); highest among the groups gnomAD compares: Non-Finnish European, 0.0032%; no homozygotes.

Submissions (4):

PreventionGenetics, part of Exact Sciences
Classification: Uncertain significance for TTN-related condition. Last evaluated: 2026-04-29. Review status: criteria provided, single submitter. Criteria: ACMG Guidelines, 2015. Collection method: clinical testing. Allele origin: germline.
Comment: The TTN c.104471A>G variant is predicted to result in the amino acid substitution p.His34824Arg. To our knowledge, this variant has not been reported in the literature. This variant is reported in 0.0039% of alleles in individuals of European (Non-Finnish) descent in gnomAD. At this time, the clinical significance of this variant is uncertain due to the absence of conclusive functional and genetic evidence.

Blueprint Genetics
Classification: Likely benign. Last evaluated: 2022-01-13. Review status: criteria provided, single submitter. Criteria: ACMG Guidelines, 2015. Collection method: clinical testing. Allele origin: germline.

CHEO Genetics Diagnostic Laboratory, Children's Hospital of Eastern Ontario
Classification: Uncertain significance for Cardiomyopathy. Last evaluated: 2021-12-10. Review status: criteria provided, single submitter. Criteria: ACMG Guidelines, 2015. Collection method: clinical testing. Allele origin: germline.

Revvity Omics, Revvity
Classification: Uncertain significance. Last evaluated: 2020-03-09. Review status: criteria provided, single submitter. Criteria: ACMG Guidelines, 2015. Collection method: clinical testing. Allele origin: germline.